The following is an entry in ClinVar:

ClinVar aggregate classification (germline): Uncertain significance. Review status: criteria provided, multiple submitters, no conflicts (2 of 4 stars). 3 submissions from 3 submitters: Uncertain significance (3). Last evaluated 2025-01-06.

Conditions:
Psoriasis 2. Identifiers: MedGen C1864497, MONDO:0011269, OMIM 602723.
Pityriasis rubra pilaris (PRP). Also called: Pityriasis rubra pilaris--familial type. Identifiers: Orphanet 2897, MedGen C0032027, MONDO:0100017, OMIM 173200, MONDO:0008251.

gnomAD v4.1: 4 of 1,562,452 alleles (0.00026%); highest among the groups gnomAD compares: East Asian, 0.0048%; no homozygotes.

Submissions (3):

Labcorp Genetics (formerly Invitae), Labcorp
Classification: Uncertain significance for Pityriasis rubra pilaris; Psoriasis 2. Last evaluated: 2025-01-06. Review status: criteria provided, single submitter. Criteria: Invitae Variant Classification Sherloc (09022015). Collection method: clinical testing. Allele origin: germline.
Comment: This sequence change replaces tyrosine, which is neutral and polar, with asparagine, which is neutral and polar, at codon 205 of the CARD14 protein (p.Tyr205Asn). This variant is present in population databases (no rsID available, gnomAD 0.06%). This variant has not been reported in the literature in individuals affected with CARD14-related conditions. ClinVar contains an entry for this variant (Variation ID: 1056705). Invitae Evidence Modeling of protein sequence and biophysical properties (such as structural, functional, and spatial information, amino acid conservation, physicochemical variation, residue mobility, and thermodynamic stability) has been performed for this missense variant. However, the output from this modeling did not meet the statistical confidence thresholds required to predict the impact of this variant on CARD14 protein function. In summary, the available evidence is currently insufficient to determine the role of this variant in disease. Therefore, it has been classified as a Variant of Uncertain Significance.

Department of Pathology and Laboratory Medicine, Sinai Health System
Classification: Uncertain significance for psoriasis 2. Last evaluated: 2023-12-12. Review status: criteria provided, single submitter. Criteria: ACMG Guidelines, 2015. Collection method: research. Allele origin: germline.

Genetics and Molecular Pathology, SA Pathology
Classification: Uncertain significance for Psoriasis 2. Last evaluated: 2019-07-30. Review status: criteria provided, single submitter. Criteria: ACMG Guidelines, 2015. Collection method: clinical testing. Allele origin: germline. Affected: yes.

NM_001366385.1(CARD14):c.613T>A (p.Tyr205Asn)

Gene: CARD14 (caspase recruitment domain family member 14; plus strand). Cytogenetic location: 17q25.3.
Variant type: single nucleotide variant.
Coding change: c.613T>A on transcript NM_001366385.1 (MANE Select); coding-DNA position 613, T replaced by A.
Protein change: p.Tyr205Asn; replaces tyrosine 205 with asparagine.
Molecular consequence: missense variant. On other transcripts: non-coding transcript variant (1).
Genome position (GRCh38, 1-based): chr17:80,184,176, T>A. VCF-style: chr17-80184176-T-A. GRCh37 (hg19) VCF-style: chr17-78157975-T-A.
Other names: c.613T>A, p.Tyr205Asn (NM_001257970.1, NM_024110.4); short protein forms Y205N.
Identifiers: ClinVar variation 1056705 (VCV001056705.12), dbSNP rs182551076, ClinGen allele CA401337795.